The following is an entry in ClinVar:

NM_001105247.2(ARMC5):c.513G>A (p.Gln171=)

Gene: ARMC5 (armadillo repeat containing 5; plus strand). Cytogenetic location: 16p11.2.
Variant type: single nucleotide variant.
Coding change: c.513G>A on transcript NM_001105247.2 (MANE Select); coding-DNA position 513, G replaced by A.
Protein change: p.Gln171=; no amino-acid change (glutamine 171 retained).
Molecular consequence: synonymous variant.
Genome position (GRCh38, 1-based): chr16:31,461,959, G>A. VCF-style: chr16-31461959-G-A. GRCh37 (hg19) VCF-style: chr16-31473280-G-A.
Other names: c.798G>A, p.Gln266= (NM_001288767.2); c.609G>A, p.Gln203= (NM_001301820.1); c.513G>A, p.Gln171= (NM_024742.2).
Identifiers: ClinVar variation 3054269 (VCV003054269.3), dbSNP rs201474630, ClinGen allele CA8029497.

ClinVar aggregate classification (germline): Likely benign. Review status: criteria provided, single submitter (1 of 4 stars). 2 submissions from 2 submitters: Likely benign (1). 1 of the submissions does not count toward it. Last evaluated 2024-07-18.

Conditions:
ARMC5-related disorder. Also called: ARMC5-related condition.

Allele frequency attached by ClinVar (database versions not stated): gnomAD 0.00008; ExAC 0.00011; gnomAD exomes 0.00011; TOPMed 0.00017.
gnomAD v4.1: 180 of 1,614,214 alleles (0.011%); highest among the groups gnomAD compares: Middle Eastern, 0.13%; no homozygotes.

Submissions (2):

Blueprint Genetics
Classification: Likely benign. Last evaluated: 2024-07-18. Review status: criteria provided, single submitter. Criteria: ACMG Guidelines, 2015. Collection method: clinical testing. Allele origin: germline.

PreventionGenetics, part of Exact Sciences
Classification: Likely benign for ARMC5-related condition. Last evaluated: 2021-12-30. Review status: no assertion criteria provided. Collection method: clinical testing. Allele origin: germline. Not counted in ClinVar's aggregate classification.
Comment: This variant is classified as likely benign based on ACMG/AMP sequence variant interpretation guidelines (Richards et al. 2015 PMID: 25741868, with internal and published modifications).